The following is an entry in ClinVar:

NM_006506.5(RASA2):c.958G>A (p.Val320Met)

Gene: RASA2 (RAS p21 protein activator 2; plus strand). Cytogenetic location: 3q23.
Variant type: single nucleotide variant.
Coding change: c.958G>A on transcript NM_006506.5 (MANE Select); coding-DNA position 958, G replaced by A.
Protein change: p.Val320Met; replaces valine 320 with methionine.
Molecular consequence: missense variant.
Genome position (GRCh38, 1-based): chr3:141,571,006, G>A. VCF-style: chr3-141571006-G-A. GRCh37 (hg19) VCF-style: chr3-141289848-G-A.
Other names: c.958G>A, p.Val320Met (NM_001303245.3, NM_001303246.3); short protein forms V320M.
Identifiers: ClinVar variation 1767473 (VCV001767473.4), dbSNP rs780881237, ClinGen allele CA2645375.
Genomic context (GRCh38, chr3:141,571,006, plus strand): 5'-TCATCCAAAACTGATGACCTGGGGTCTCTTCGATTAAATATATGTTATACAGAAGACTAC[G>A]TGCTTCCTTCAGAGTACTATGGTCCTTTGAAAACTTTGCTGCTAAAATCACCAGATGTTC-3'
Protein context (NP_006497.2, residues 310-330): RLNICYTEDY[Val320Met]LPSEYYGPLK

ClinVar aggregate classification (germline): Uncertain significance. Review status: criteria provided, multiple submitters, no conflicts (2 of 4 stars). 2 submissions from 2 submitters: Uncertain significance (2). Last evaluated 2025-07-02.

Allele frequency attached by ClinVar (database versions not stated): ExAC 0.00001; TOPMed 0.00002; gnomAD 0.00003.
gnomAD v4.1: 18 of 1,612,216 alleles (0.0011%); highest among the groups gnomAD compares: African/African-American, 0.0067%; no homozygotes.

Submissions (2):

Ambry Genetics
Classification: Uncertain significance. Last evaluated: 2025-07-02. Review status: criteria provided, single submitter. Criteria: Ambry Variant Classification Scheme 2023. Collection method: clinical testing. Allele origin: germline.

Labcorp Genetics (formerly Invitae), Labcorp
Classification: Uncertain significance. Last evaluated: 2025-05-27. Review status: criteria provided, single submitter. Criteria: Invitae Variant Classification Sherloc (09022015). Collection method: clinical testing. Allele origin: germline.
Comment: This sequence change replaces valine, which is neutral and non-polar, with methionine, which is neutral and non-polar, at codon 320 of the RASA2 protein (p.Val320Met). This variant is present in population databases (rs780881237, gnomAD 0.008%). This variant has not been reported in the literature in individuals affected with RASA2-related conditions. ClinVar contains an entry for this variant (Variation ID: 1767473). Invitae Evidence Modeling of protein sequence and biophysical properties (such as structural, functional, and spatial information, amino acid conservation, physicochemical variation, residue mobility, and thermodynamic stability) indicates that this missense variant is expected to disrupt RASA2 protein function with a positive predictive value of 80%. In summary, the available evidence is currently insufficient to determine the role of this variant in disease. Therefore, it has been classified as a Variant of Uncertain Significance.